The following is an entry in ClinVar:

ClinVar aggregate classification (germline): Uncertain significance (1 of 4 stars; one submission).

Conditions:
Inborn genetic diseases. Identifiers: MedGen C0950123, MeSH D030342.

Submission:

Ambry Genetics
Classification: Uncertain significance for Inborn genetic diseases. Last evaluated: 2024-01-29. Review status: criteria provided, single submitter. Criteria: Ambry Variant Classification Scheme 2023. Collection method: clinical testing. Allele origin: germline.
Comment: The p.S16Y variant (also known as c.47C>A), located in coding exon 2 of the BUB1B gene, results from a C to A substitution at nucleotide position 47. The serine at codon 16 is replaced by tyrosine, an amino acid with dissimilar properties. This amino acid position is conserved. In addition, this alteration is predicted to be tolerated by in silico analysis. Based on the available evidence, the clinical significance of this alteration remains unclear.

NM_001211.6(BUB1B):c.47C>A (p.Ser16Tyr)

Gene: BUB1B (BUB1 mitotic checkpoint serine/threonine kinase B; plus strand). Cytogenetic location: 15q15.1.
Variant type: single nucleotide variant.
Coding change: c.47C>A on transcript NM_001211.6 (MANE Select); coding-DNA position 47, C replaced by A.
Protein change: p.Ser16Tyr; replaces serine 16 with tyrosine.
Molecular consequence: missense variant.
Genome position (GRCh38, 1-based): chr15:40,165,064, C>A. VCF-style: chr15-40165064-C-A. GRCh37 (hg19) VCF-style: chr15-40457265-C-A.
Other names: short protein forms S16Y.
Identifiers: ClinVar variation 3221430 (VCV003221430.1), dbSNP rs1364339094, ClinGen allele CA391676892.
Genomic context (GRCh38, chr15:40,165,064, plus strand): 5'-ATAATAGTCAATGTTGGTATGAGATTTACATTTGTTTCCTTCTTCACAGTGAAGCCATGT[C>A]CCTGGAGGGAGATGAATGGGAACTGAGTAAAGAAAATGTACAACCTTTAAGGCAAGGGCG-3'
Protein context (NP_001202.5, residues 6-26): KEGGALSEAM[Ser16Tyr]LEGDEWELSK